The following is an entry in ClinVar:

NM_177438.3(DICER1):c.4206+7_4206+8del

Gene: DICER1 (dicer 1, ribonuclease III; minus strand). Cytogenetic location: 14q32.13.
Variant type: Deletion.
Coding change: c.4206+7_4206+8del on transcript NM_177438.3 (MANE Select); bases 7 to 8 of the intron after coding-DNA position 4206, 2 bases deleted (TT; older notation c.4206+7_4206+8delTT).
Molecular consequence: intron variant.
Genome position (GRCh38, 1-based): chr14:95,099,772-95,099,773, AA deleted on the plus strand (TT on the coding strand, the reverse complement: DICER1 is on the minus strand); deleting any 2 consecutive bases within chr14:95,099,772-95,099,774 gives the same sequence; the c. name uses the placement nearest the transcript's 3' end. VCF-style (leftmost placement, unchanged base first): chr14-95099771-CAA-C. GRCh37 (hg19) VCF-style: chr14-95566108-CAA-C.
Other names: c.4206+7_4206+8delTT (NM_177438.2); c.4206+7_4206+8del (NM_001291628.2, NM_030621.4, NM_001271282.3 and 1 more transcripts).
Identifiers: ClinVar variation 645279 (VCV000645279.13), dbSNP rs1555368535, ClinGen allele CA915946365.
Genomic context (GRCh38, chr14:95,099,771, plus strand): 5'-GAAAAGTAAATCCCTCCAGTTACACACACACACACACACACACACACACACACACACACA[CAA>C]ACTTACCATTTCATCTTTTTCCCATTTATCTGTGTTGCTTTTGTCTTGATTTACTACATA-3'

ClinVar aggregate classification (germline): Likely benign. Review status: criteria provided, multiple submitters, no conflicts (2 of 4 stars). 2 submissions from 2 submitters: Likely benign (2). Last evaluated 2026-04-14.

Conditions:
DICER1-related tumor predisposition. Also called: DICER1-related pleuropulmonary blastoma cancer predisposition syndrome; DICER1 syndrome. Identifiers: Orphanet 284343, MedGen C3839822, MONDO:0100216.

Submissions (2):

Myriad Genetics, Inc.
Classification: Likely benign for DICER1-related tumor predisposition. Last evaluated: 2026-04-14. Review status: criteria provided, single submitter. Criteria: Myriad Autosomal Dominant, Autosomal Recessive and X-Linked Classification Criteria (2023). Collection method: clinical testing. Allele origin: unknown.
Comment: This variant is considered likely benign. This variant is intronic and is not expected to impact mRNA splicing.

Labcorp Genetics (formerly Invitae), Labcorp
Classification: Likely benign for DICER1-related tumor predisposition. Last evaluated: 2022-10-24. Review status: criteria provided, single submitter. Criteria: Invitae Variant Classification Sherloc (09022015). Collection method: clinical testing. Allele origin: germline.